The following is an entry in ClinVar:

ClinVar aggregate classification (germline): Conflicting classifications of pathogenicity. Review status: criteria provided, conflicting classifications (1 of 4 stars). 2 submissions from 2 submitters: Likely pathogenic (1); Uncertain significance (1). Last evaluated 2023-09-19.

Allele frequency attached by ClinVar (database versions not stated): gnomAD exomes below 0.00001; ExAC 0.00001.
gnomAD v4.1: 11 of 1,614,016 alleles (0.00068%); highest among the groups gnomAD compares: Non-Finnish European, 0.00093%; no homozygotes.

Submissions (2):

Women's Health and Genetics/Laboratory Corporation of America, LabCorp
Classification: Uncertain significance. Last evaluated: 2023-09-19. Review status: criteria provided, single submitter. Criteria: LabCorp Variant Classification Summary - May 2015. Collection method: clinical testing. Allele origin: germline.
Comment: Variant summary: HEXB c.1586T>G (p.Leu529Arg) results in a non-conservative amino acid change located in the Glycoside hydrolase family 20, catalytic domain (IPR015883) of the encoded protein sequence. Five of five in-silico tools predict a damaging effect of the variant on protein function. The variant allele was found at a frequency of 4e-06 in 251300 control chromosomes. The available data on variant occurrences in the general population are insufficient to allow any conclusion about variant significance. At least one non peer reviewed abstract reports this variant in a family with two cousins affected with classic infantile-onset Sandhoff disease (Simmons_2018). However, in the absence of published peer reviewed reports, this does not provide unequivocal conclusions. To our knowledge, no experimental evidence demonstrating its impact on protein function have been reported. One submitter has cited clinical-significance assessments for this variant to ClinVar after 2014 and has classified the variant as likely pathogenic. Based on the evidence outlined above, the variant was classified as uncertain significance.

CeGaT Center for Human Genetics Tuebingen
Classification: Likely pathogenic. Last evaluated: 2021-12-01. Review status: criteria provided, single submitter. Criteria: CeGaT Center For Human Genetics Tuebingen Variant Classification Criteria Version 2. Collection method: clinical testing. Allele origin: germline. Affected: yes. Observed: 1 variant allele.

NM_000521.4(HEXB):c.1586T>G (p.Leu529Arg)

Gene: HEXB (hexosaminidase subunit beta; plus strand). Cytogenetic location: 5q13.3.
Variant type: single nucleotide variant.
Coding change: c.1586T>G on transcript NM_000521.4 (MANE Select); coding-DNA position 1586, T replaced by G.
Protein change: p.Leu529Arg; replaces leucine 529 with arginine.
Molecular consequence: missense variant.
Genome position (GRCh38, 1-based): chr5:74,720,720, T>G. VCF-style: chr5-74720720-T-G. GRCh37 (hg19) VCF-style: chr5-74016545-T-G.
Other names: c.1586T>G (NM_000521.3); c.911T>G, p.Leu304Arg (NM_001292004.2); short protein forms L304R, L529R.
Identifiers: ClinVar variation 1335583 (VCV001335583.36), dbSNP rs745454291, ClinGen allele CA3306206.
Genomic context (GRCh38, chr5:74,720,720, plus strand): 5'-TTGGTGAGAGACTCTGGAGTTCCAAAGATGTCAGAGATATGGATGACGCCTATGACAGAC[T>G]GACAAGGCACCGCTGCAGGATGGTCGAGTAAGAAATCTATTAAGTCCAGTGTGATTTTTA-3'
Protein context (NP_000512.2, residues 519-539): VRDMDDAYDR[Leu529Arg]TRHRCRMVER